The following is an entry in ClinVar:

NM_181426.2(CCDC39):c.983T>C (p.Leu328Pro)

Gene: CCDC39 (coiled-coil domain 39 molecular ruler complex subunit; minus strand). Cytogenetic location: 3q26.33.
Variant type: single nucleotide variant.
Coding change: c.983T>C on transcript NM_181426.2 (MANE Select); coding-DNA position 983, T replaced by C.
Protein change: p.Leu328Pro; replaces leucine 328 with proline.
Molecular consequence: missense variant.
Genome position (GRCh38, 1-based): chr3:180,652,214, A>G on the plus strand (T>C on the coding strand, the complement: CCDC39 is on the minus strand). VCF-style: chr3-180652214-A-G. GRCh37 (hg19) VCF-style: chr3-180370002-A-G.
Other names: short protein forms L328P.
Identifiers: ClinVar variation 2506514 (VCV002506514.2), dbSNP rs1338737312, ClinGen allele CA355299423.

ClinVar aggregate classification (germline): Likely pathogenic. Review status: criteria provided, single submitter (1 of 4 stars). 2 submissions from 2 submitters: Likely pathogenic (1). 1 of the submissions does not count toward it. Last evaluated 2026-03-27.

Conditions:
Primary ciliary dyskinesia 14. Also called: CILIARY DYSKINESIA, PRIMARY, 14, WITH OR WITHOUT SITUS INVERSUS. Identifiers: Orphanet 244, MedGen C3151136, MONDO:0013434, OMIM 613807.

Allele frequency attached by ClinVar (database versions not stated): gnomAD exomes below 0.00001; gnomAD 0.00001.
gnomAD v4.1: 2 of 1,537,418 alleles (0.00013%); highest among the groups gnomAD compares: East Asian, 0.0025%; no homozygotes.

Submissions (2):

Women's Health and Genetics/Laboratory Corporation of America, LabCorp
Classification: Likely pathogenic for Primary ciliary dyskinesia 14. Last evaluated: 2026-03-27. Review status: criteria provided, single submitter. Criteria: LabCorp Variant Classification Summary - May 2015. Collection method: clinical testing. Allele origin: germline.
Comment: Variant summary: CCDC39 c.983T>C (p.Leu328Pro) results in a non-conservative amino acid change in the encoded protein sequence. Algorithms developed to predict the effect of missense changes on protein structure and function are either unavailable or do not agree on the potential impact of this missense change. The variant was absent in 149630 control chromosomes. c.983T>C has been observed in the homozygous state in 2 siblings affected with Primary ciliary dyskinesia 14 (example, Chen_2021). These data indicate that the variant is likely to be associated with disease. At least one publication reports experimental evidence evaluating an impact on protein function. The most pronounced variant effect results in 10%-<30% of normal protein expression per Western blotting and immunofluorescence experiments on patient spermatozoa and in vitro cell lines (example, Chen_2021) and correlated with reduced ciliary length. The following publication has been ascertained in the context of this evaluation (PMID: 34674941). ClinVar contains an entry for this variant (Variation ID: 2506514). Based on the evidence outlined above, the variant was classified as likely pathogenic.

OMIM
Classification: Pathogenic for CILIARY DYSKINESIA, PRIMARY, 14. Last evaluated: 2023-06-23. Review status: no assertion criteria provided. Collection method: literature only. Allele origin: germline. Not counted in ClinVar's aggregate classification.

Literature cited by the submitters: PubMed 34674941 (cited by Women's Health and Genetics/Laboratory Corporation of America, LabCorp and OMIM).